The following is an entry in ClinVar:

NM_001042492.3(NF1):c.6643-2A>T

Gene: NF1 (neurofibromin 1; plus strand). Cytogenetic location: 17q11.2.
Variant type: single nucleotide variant.
Coding change: c.6643-2A>T on transcript NM_001042492.3 (MANE Select); the canonical splice acceptor site of the intron before coding-DNA position 6643, A replaced by T.
Molecular consequence: splice acceptor variant.
Genome position (GRCh38, 1-based): chr17:31,337,817, A>T. VCF-style: chr17-31337817-A-T. GRCh37 (hg19) VCF-style: chr17-29664835-A-T.
Other names: c.6580-2A>T (NM_000267.4).
Identifiers: ClinVar variation 648314 (VCV000648314.7), dbSNP rs1597844547, ClinGen allele CA399013645.
Genomic context (GRCh38, chr17:31,337,817, plus strand): 5'-TTATTTAAACAGTTCTAAAAACATTTATGTACAATATGTATTCAGAGTATCCCCTTTTTT[A>T]GGCATGCATGAGAGATATTCCAACGTGCAAGTGGCTGGACCAGTGGACAGAACTAGCTCA-3'

ClinVar aggregate classification (germline): Pathogenic (1 of 4 stars; one submission).

Conditions:
Neurofibromatosis, type 1 (NF1). Also called: VON RECKLINGHAUSEN DISEASE; Neurofibromatosis, type I; NEUROFIBROMATOSIS, TYPE I, SOMATIC; Peripheral type neurofibromatosis. Identifiers: Orphanet 636, MedGen C0027831, MONDO:0018975, OMIM 162200. Disease mechanism: loss of function.

Submissions (2):

Labcorp Genetics (formerly Invitae), Labcorp
Classification: Pathogenic for Neurofibromatosis, type 1. Last evaluated: 2024-02-05. Review status: criteria provided, single submitter. Criteria: Invitae Variant Classification Sherloc (09022015). Collection method: clinical testing. Allele origin: germline.
Comment: This sequence change affects an acceptor splice site in intron 42 of the NF1 gene. RNA analysis indicates that disruption of this splice site induces altered splicing and may result in an absent or disrupted protein product. This variant is not present in population databases (gnomAD no frequency). Disruption of this splice site has been observed in individual(s) with neurofibromatosis type 1 (Invitae). ClinVar contains an entry for this variant (Variation ID: 648314). Studies have shown that disruption of this splice site results in partial skipping of exon 43 and introduces a premature termination codon (Invitae). The resulting mRNA is expected to undergo nonsense-mediated decay. For these reasons, this variant has been classified as Pathogenic.

Dr. Peter K. Rogan Lab, Western University
No classification provided (evidence only). Condition: Melanoma. Review status: no classification provided. Collection method: in vitro. Allele origin: not applicable. Functional consequence: retained intron. Not counted in ClinVar's aggregate classification.